The following is an entry in ClinVar:

NM_001365999.1(SZT2):c.7678G>A (p.Glu2560Lys)

Gene: SZT2 (SZT2 subunit of KICSTOR complex; plus strand). Cytogenetic location: 1p34.2.
Variant type: single nucleotide variant.
Coding change: c.7678G>A on transcript NM_001365999.1 (MANE Select); coding-DNA position 7678, G replaced by A.
Protein change: p.Glu2560Lys; replaces glutamic acid 2560 with lysine.
Molecular consequence: missense variant.
Genome position (GRCh38, 1-based): chr1:43,441,754, G>A. VCF-style: chr1-43441754-G-A. GRCh37 (hg19) VCF-style: chr1-43907425-G-A.
Other names: c.7507G>A, p.Glu2503Lys (NM_015284.4); short protein forms E2503K, E2560K.
Identifiers: ClinVar variation 1053576 (VCV001053576.6), dbSNP rs1161800827, ClinGen allele CA340035767.

ClinVar aggregate classification (germline): Uncertain significance (1 of 4 stars; one submission).

Allele frequency attached by ClinVar (database versions not stated): gnomAD exomes below 0.00001.
gnomAD v4.1: 4 of 1,614,204 alleles (0.00025%); highest among the groups gnomAD compares: Non-Finnish European, 0.00034%; no homozygotes.

Submission:

Labcorp Genetics (formerly Invitae), Labcorp
Classification: Uncertain significance. Last evaluated: 2021-09-01. Review status: criteria provided, single submitter. Criteria: Invitae Variant Classification Sherloc (09022015). Collection method: clinical testing. Allele origin: germline.
Comment: This sequence change replaces glutamic acid with lysine at codon 2503 of the SZT2 protein (p.Glu2503Lys). The glutamic acid residue is highly conserved and there is a small physicochemical difference between glutamic acid and lysine. This variant is not present in population databases (ExAC no frequency). This variant has not been reported in the literature in individuals affected with SZT2-related conditions. Algorithms developed to predict the effect of missense changes on protein structure and function are either unavailable or do not agree on the potential impact of this missense change (SIFT: "Tolerated"; PolyPhen-2: "Probably Damaging"; Align-GVGD: "Class C0"). In summary, the available evidence is currently insufficient to determine the role of this variant in disease. Therefore, it has been classified as a Variant of Uncertain Significance.